The following is an entry in ClinVar:

ClinVar aggregate classification (germline): Uncertain significance. Review status: criteria provided, multiple submitters, no conflicts (2 of 4 stars). 2 submissions from 2 submitters: Uncertain significance (2). Last evaluated 2026-01-12.

Allele frequency attached by ClinVar (database versions not stated): gnomAD exomes 0.00001; gnomAD 0.00002; TOPMed 0.00002.
gnomAD v4.1: 13 of 1,613,532 alleles (0.00081%); highest among the groups gnomAD compares: Non-Finnish European, 0.0011%; no homozygotes.

Submissions (2):

Labcorp Genetics (formerly Invitae), Labcorp
Classification: Uncertain significance. Last evaluated: 2026-01-12. Review status: criteria provided, single submitter. Criteria: Invitae Variant Classification Sherloc (09022015). Collection method: clinical testing. Allele origin: germline.
Comment: This sequence change replaces glutamic acid, which is acidic and polar, with glutamine, which is neutral and polar, at codon 590 of the MYLK3 protein (p.Glu590Gln). This variant is present in population databases (no rsID available, gnomAD 0.002%). This variant has not been reported in the literature in individuals affected with MYLK3-related conditions. ClinVar contains an entry for this variant (Variation ID: 1449148). An algorithm developed to predict the effect of missense changes on protein structure and function (PolyPhen-2) suggests that this variant is likely to be disruptive. In summary, the available evidence is currently insufficient to determine the role of this variant in disease. Therefore, it has been classified as a Variant of Uncertain Significance.

Ambry Genetics
Classification: Uncertain significance. Last evaluated: 2025-08-23. Review status: criteria provided, single submitter. Criteria: Ambry Variant Classification Scheme 2023. Collection method: clinical testing. Allele origin: germline.

NM_182493.3(MYLK3):c.1768G>C (p.Glu590Gln)

Gene: MYLK3 (myosin light chain kinase 3; minus strand). Cytogenetic location: 16q11.2.
Variant type: single nucleotide variant.
Coding change: c.1768G>C on transcript NM_182493.3 (MANE Select); coding-DNA position 1768, G replaced by C.
Protein change: p.Glu590Gln; replaces glutamic acid 590 with glutamine.
Molecular consequence: missense variant.
Genome position (GRCh38, 1-based): chr16:46,729,028, C>G on the plus strand (G>C on the coding strand, the complement: MYLK3 is on the minus strand). VCF-style: chr16-46729028-C-G. GRCh37 (hg19) VCF-style: chr16-46762940-C-G.
Other names: c.1768G>C (NM_182493.2); c.745G>C, p.Glu249Gln (NM_001308301.1); short protein forms E590Q, E249Q.
Identifiers: ClinVar variation 1449148 (VCV001449148.7), dbSNP rs948459212, ClinGen allele CA280226445.